The following is an entry in ClinVar:

NM_003724.4(JRK):c.396C>T (p.Ser132=)

Gene: JRK (Jrk helix-turn-helix protein; minus strand). Cytogenetic location: 8q24.3.
Variant type: single nucleotide variant.
Coding change: c.396C>T on transcript NM_003724.4 (MANE Select); coding-DNA position 396, C replaced by T.
Protein change: p.Ser132=; no amino-acid change (serine 132 retained).
Molecular consequence: synonymous variant.
Genome position (GRCh38, 1-based): chr8:142,665,663, G>A on the plus strand (C>T on the coding strand, the complement: JRK is on the minus strand). VCF-style: chr8-142665663-G-A. GRCh37 (hg19) VCF-style: chr8-143747082-G-A.
Other names: c.396C>T, p.Ser132= (NM_001077527.3, NM_001279352.2).
Identifiers: ClinVar variation 3771154 (VCV003771154.13).

ClinVar aggregate classification (germline): Likely benign (1 of 4 stars; one submission).

Submission:

CeGaT Center for Human Genetics Tuebingen
Classification: Likely benign. Last evaluated: 2025-01-01. Review status: criteria provided, single submitter. Criteria: CeGaT Center For Human Genetics Tuebingen Variant Classification Criteria Version 2. Collection method: clinical testing. Allele origin: germline. Affected: yes. Observed: 1 variant allele.
Comment: JRK: BP4, BP7